The following is an entry in ClinVar:

NM_001291088.2(WDR87):c.6436A>G (p.Lys2146Glu)

Gene: WDR87 (WD repeat domain 87; minus strand). Cytogenetic location: 19q13.13.
Variant type: single nucleotide variant.
Coding change: c.6436A>G on transcript NM_001291088.2 (MANE Select); coding-DNA position 6436, A replaced by G.
Protein change: p.Lys2146Glu; replaces lysine 2146 with glutamic acid.
Molecular consequence: missense variant.
Genome position (GRCh38, 1-based): chr19:37,887,235, T>C on the plus strand (A>G on the coding strand, the complement: WDR87 is on the minus strand). VCF-style: chr19-37887235-T-C. GRCh37 (hg19) VCF-style: chr19-38377875-T-C.
Other names: c.6319A>G, p.Lys2107Glu (NM_031951.5); short protein forms K2107E, K2146E.
Identifiers: ClinVar variation 3981326 (VCV003981326.2).

ClinVar aggregate classification (germline): Uncertain significance. Review status: criteria provided, multiple submitters, no conflicts (2 of 4 stars). 2 submissions from 2 submitters: Uncertain significance (2). Last evaluated 2025-05-07.

Submissions (2):

Ambry Genetics
Classification: Uncertain significance. Last evaluated: 2025-05-07. Review status: criteria provided, single submitter. Criteria: Ambry Variant Classification Scheme 2023. Collection method: clinical testing. Allele origin: germline.

Labcorp Genetics (formerly Invitae), Labcorp
Classification: Uncertain significance. Last evaluated: 2025-02-04. Review status: criteria provided, single submitter. Criteria: Invitae Variant Classification Sherloc (09022015). Collection method: clinical testing. Allele origin: germline.
Comment: This sequence change replaces lysine, which is basic and polar, with glutamic acid, which is acidic and polar, at codon 2107 of the WDR87 protein (p.Lys2107Glu). This variant is present in population databases (rs528616897, gnomAD 0.02%). This variant has not been reported in the literature in individuals affected with WDR87-related conditions. An algorithm developed to predict the effect of missense changes on protein structure and function outputs the following: PolyPhen-2: "Possibly Damaging". The glutamic acid amino acid residue is found in multiple mammalian species, which suggests that this missense change does not adversely affect protein function. In summary, the available evidence is currently insufficient to determine the role of this variant in disease. Therefore, it has been classified as a Variant of Uncertain Significance.